The following is an entry in ClinVar:

NM_001298.3(CNGA3):c.1715G>A (p.Gly572Asp)

Gene: CNGA3 (cyclic nucleotide gated channel subunit alpha 3; plus strand). Cytogenetic location: 2q11.2.
Variant type: single nucleotide variant.
Coding change: c.1715G>A on transcript NM_001298.3 (MANE Select); coding-DNA position 1715, G replaced by A.
Protein change: p.Gly572Asp; replaces glycine 572 with aspartic acid.
Molecular consequence: missense variant.
Genome position (GRCh38, 1-based): chr2:98,396,885, G>A. VCF-style: chr2-98396885-G-A. GRCh37 (hg19) VCF-style: chr2-99013348-G-A.
Other names: c.1661G>A, p.Gly554Asp (NM_001079878.2); short protein forms G554D, G572D.
Identifiers: ClinVar variation 1995478 (VCV001995478.4), dbSNP rs1692932180, ClinGen allele CA347834133.

ClinVar aggregate classification (germline): Likely pathogenic (1 of 4 stars; one submission).

Submission:

Labcorp Genetics (formerly Invitae), Labcorp
Classification: Likely pathogenic. Last evaluated: 2022-05-25. Review status: criteria provided, single submitter. Criteria: Invitae Variant Classification Sherloc (09022015). Collection method: clinical testing. Allele origin: germline.
Comment: This sequence change replaces glycine, which is neutral and non-polar, with aspartic acid, which is acidic and polar, at codon 572 of the CNGA3 protein (p.Gly572Asp). This variant is not present in population databases (gnomAD no frequency). This missense change has been observed in individual(s) with CNGA3-related conditions (Invitae). In at least one individual the data is consistent with being in trans (on the opposite chromosome) from a pathogenic variant. Advanced modeling of protein sequence and biophysical properties (such as structural, functional, and spatial information, amino acid conservation, physicochemical variation, residue mobility, and thermodynamic stability) performed at Invitae indicates that this missense variant is expected to disrupt CNGA3 protein function. In summary, the currently available evidence indicates that the variant is pathogenic, but additional data are needed to prove that conclusively. Therefore, this variant has been classified as Likely Pathogenic.